The following is an entry in ClinVar:

NM_001195553.2(DCX):c.-22-521G>A

Gene: DCX (doublecortin; minus strand). Cytogenetic location: Xq23.
Variant type: single nucleotide variant.
Coding change: c.-22-521G>A on transcript NM_001195553.2 (MANE Select); 521 bases into the intron before 22 bases upstream of the start codon, G replaced by A.
Molecular consequence: intron variant. On other transcripts: missense variant (1).
Genome position (GRCh38, 1-based): chrX:111,410,941, C>T on the plus strand (G>A on the coding strand, the complement: DCX is on the minus strand). VCF-style: chrX-111410941-C-T. GRCh37 (hg19) VCF-style: chrX-110654169-C-T.
Other names: c.34G>A, p.Glu12Lys (NM_000555.3); c.-22-521G>A (NM_001369373.1, NM_178153.3, NM_001369372.1 and 6 more transcripts); short protein forms E12K.
Identifiers: ClinVar variation 2673255 (VCV002673255.23), dbSNP rs2524862428, ClinGen allele CA414247852.

ClinVar aggregate classification (germline): Uncertain significance (1 of 4 stars; one submission).

Submission:

CeGaT Center for Human Genetics Tuebingen
Classification: Uncertain significance. Last evaluated: 2023-11-01. Review status: criteria provided, single submitter. Criteria: CeGaT Center For Human Genetics Tuebingen Variant Classification Criteria Version 2. Collection method: clinical testing. Allele origin: germline. Affected: yes. Observed: 1 variant allele.
Comment: DCX: PM2